The following is an entry in ClinVar:

ClinVar aggregate classification (germline): Pathogenic (1 of 4 stars; one submission).

Conditions:
Fabry disease. Also called: ALPHA-GALACTOSIDASE A DEFICIENCY; ANDERSON-FABRY DISEASE; CERAMIDE TRIHEXOSIDASE DEFICIENCY; GLA DEFICIENCY; HEREDITARY DYSTOPIC LIPIDOSIS; Angiokeratoma corporis diffusum. Identifiers: Orphanet 324, MedGen C0002986, MONDO:0010526, OMIM 301500, HP:0001071. Disease mechanism: Fabry disease is due to inactivating mutations in the X-linked GLA gene resulting in deficiency of the enzyme Alpha Galactosidase-A., loss of function.

Submission:

Genomenon, Inc
Classification: Pathogenic for Fabry disease. Last evaluated: 2026-09-08. Review status: criteria provided, single submitter. Criteria: Genomenon Sequence Variant Interpretation Standards - Updated. Collection method: curation. Allele origin: germline. Affected: yes.
Comment: GLA p.Asp165Val (c.494A>T) is a missense variant that changes the amino acid at codon 165 from Aspartic acid to Valine. This variant has been observed in at least one proband with clinical features consistent with Fabry disease (PMID:8069316;10666480;22176145). At least one functional study has demonstrated a substantial alteration in protein function relative to the wild-type (PMID:32023956;22773828;27657681). This variant is located in a mutational hotspot and/or important functional domain. It is absent or not present at a significant frequency in gnomAD. In silico models predict that this variant is possibly or probably damaging. In conclusion, we classify GLA p.Asp165Val (c.494A>T) as a pathogenic variant.

Literature cited by the submitters: PubMed 8069316; PubMed 10666480; PubMed 22176145; PubMed 32023956; PubMed 22773828; PubMed 27657681.

NM_000169.3(GLA):c.494A>T (p.Asp165Val)

Genes: GLA (galactosidase alpha; minus strand), RPL36A-HNRNPH2 (RPL36A-HNRNPH2 readthrough; plus strand). Cytogenetic location: Xq22.1.
Variant type: single nucleotide variant.
Coding change: c.494A>T on transcript NM_000169.3 (MANE Select); coding-DNA position 494, A replaced by T.
Protein change: p.Asp165Val; replaces aspartic acid 165 with valine.
Molecular consequence: missense variant. On other transcripts: non-coding transcript variant (3), intron variant (2).
Genome position (GRCh38, 1-based): chrX:101,401,685, T>A on the plus strand (A>T on the coding strand, the complement: GLA is on the minus strand). VCF-style: chrX-101401685-T-A. GRCh37 (hg19) VCF-style: chrX-100656673-T-A.
Other names: c.617A>T, p.Asp206Val (NM_001406747.1, NM_001406749.1); c.494A>T, p.Asp165Val (NM_001406748.1); c.300+6228T>A (NM_001199973.2); c.177+9863T>A (NM_001199974.2); short protein forms D165V, D206V.
Identifiers: ClinVar variation 4087392 (VCV004087392.2).